The following is an entry in ClinVar:

ClinVar aggregate classification (germline): Uncertain significance. Review status: criteria provided, multiple submitters, no conflicts (2 of 4 stars). 4 submissions from 4 submitters: Uncertain significance (2). 2 of the submissions do not count toward it. Last evaluated 2025-04-10.

Conditions:
Retinal dystrophy. Also called: Inherited retinal dystrophy. Identifiers: Orphanet 71862, MedGen C0854723, MeSH D058499, MONDO:0019118, HP:0000556.
Ornithine aminotransferase deficiency (GACR). Also called: Ornithine ketoacid aminotransferase deficiency; Gyrate atrophy; Gyrate atrophy of choroid and retina; Girate atrophy of the retina; HYPERORNITHINEMIA WITH GYRATE ATROPHY OF CHOROID AND RETINA; OAT DEFICIENCY. Identifiers: Orphanet 414, MedGen C0018425, MONDO:0009796, OMIM 258870.
Inborn genetic diseases. Identifiers: MedGen C0950123, MeSH D030342.

Allele frequency attached by ClinVar (database versions not stated): ExAC 0.00001; gnomAD 0.00001; gnomAD exomes 0.00001.
gnomAD v4.1: 21 of 1,613,900 alleles (0.0013%); highest among the groups gnomAD compares: Middle Eastern, 0.016%; no homozygotes.

Submissions (4):

Ambry Genetics
Classification: Uncertain significance for Inborn genetic diseases. Last evaluated: 2025-04-10. Review status: criteria provided, single submitter. Criteria: Ambry Variant Classification Scheme 2023. Collection method: clinical testing. Allele origin: germline.

Labcorp Genetics (formerly Invitae), Labcorp
Classification: Uncertain significance for Ornithine aminotransferase deficiency. Last evaluated: 2022-04-23. Review status: criteria provided, single submitter. Criteria: Invitae Variant Classification Sherloc (09022015). Collection method: clinical testing. Allele origin: germline.
Comment: This sequence change replaces glycine, which is neutral and non-polar, with arginine, which is basic and polar, at codon 17 of the OAT protein (p.Gly17Arg). This variant is present in population databases (rs760716065, gnomAD 0.0009%). This variant has not been reported in the literature in individuals affected with OAT-related conditions. ClinVar contains an entry for this variant (Variation ID: 526625). Algorithms developed to predict the effect of missense changes on protein structure and function are either unavailable or do not agree on the potential impact of this missense change (SIFT: "Deleterious"; PolyPhen-2: "Benign"; Align-GVGD: "Class C0"). Algorithms developed to predict the effect of sequence changes on RNA splicing suggest that this variant may create or strengthen a splice site. In summary, the available evidence is currently insufficient to determine the role of this variant in disease. Therefore, it has been classified as a Variant of Uncertain Significance.

Institute of Human Genetics, Univ. Regensburg, Univ. Regensburg
Classification: Uncertain significance for Retinal dystrophy. Last evaluated: 2023-01-01. Review status: no assertion criteria provided. Criteria: ACMG Guidelines, 2015. Collection method: clinical testing. Allele origin: germline. Affected: yes. Not counted in ClinVar's aggregate classification.

Natera, Inc.
Classification: Uncertain significance for Gyrate atrophy. Last evaluated: 2020-11-23. Review status: no assertion criteria provided. Collection method: clinical testing. Allele origin: germline. Not counted in ClinVar's aggregate classification.

NM_000274.4(OAT):c.49G>A (p.Gly17Arg)

Gene: OAT (ornithine aminotransferase; minus strand). Cytogenetic location: 10q26.13.
Variant type: single nucleotide variant.
Coding change: c.49G>A on transcript NM_000274.4 (MANE Select); coding-DNA position 49, G replaced by A.
Protein change: p.Gly17Arg; replaces glycine 17 with arginine.
Molecular consequence: missense variant. On other transcripts: intron variant (2).
Genome position (GRCh38, 1-based): chr10:124,412,123, C>T on the plus strand (G>A on the coding strand, the complement: OAT is on the minus strand). VCF-style: chr10-124412123-C-T. GRCh37 (hg19) VCF-style: chr10-126100692-C-T.
Other names: c.49G>A, p.Gly17Arg (NM_001322965.2, NM_001322966.2, NM_001322967.2 and 4 more transcripts); c.-215-3158G>A (NM_001171814.2); c.-515-3158G>A (NM_001322974.2); short protein forms G17R.
Identifiers: ClinVar variation 526625 (VCV000526625.11), dbSNP rs760716065, ClinGen allele CA5733622.